The following is an entry in ClinVar:

NC_000002.11:g.(?_111395104)_(111435641_?)dup

Gene: BUB1 (BUB1 mitotic checkpoint serine/threonine kinase; minus strand). Cytogenetic location: 2q13.
Variant type: Duplication.
Identifiers: ClinVar variation 3768993 (VCV003768993.1).

ClinVar aggregate classification (germline): Uncertain significance (1 of 4 stars; one submission).

Submission:

Women's Health and Genetics/Laboratory Corporation of America, LabCorp
Classification: Uncertain significance. Last evaluated: 2025-02-18. Review status: criteria provided, single submitter. Criteria: LabCorp Variant Classification Summary - May 2015. Collection method: clinical testing. Allele origin: germline.
Comment: Variant summary: The variant involves the duplication of exons 1-25 in the BUB1 gene. A presumed nomenclature of c.(?_-69)_(*437_?)dup has been designated for the purposes of this classification. This duplication includes the entire coding sequence of the gene. As exact breakpoints are unknown, it may extend beyond the annotated region of the gene, to include other flanking genes. The variant allele was absent in 21694 control chromosomes. The available data on variant occurrences in the general population are insufficient to allow any conclusion about variant significance. To our knowledge, no occurrence of c.(?_-69)_(*437_?)dup in individuals affected with Microcephaly 30, Primary, Autosomal Recessive and no experimental evidence demonstrating its impact on protein function have been reported. No submitters have cited clinical-significance assessments for this variant to ClinVar. Based on the evidence outlined above, the variant was classified as uncertain significance.